The following is an entry in ClinVar:

ClinVar aggregate classification (germline): Benign/Likely benign. Review status: criteria provided, multiple submitters, no conflicts (2 of 4 stars). 8 submissions from 8 submitters: Benign (3); Likely benign (4). 1 of the submissions does not count toward it. Last evaluated 2026-06-01.

Conditions:
Hereditary cancer-predisposing syndrome. Also called: Neoplastic Syndromes, Hereditary; Tumor predisposition; Hereditary neoplastic syndrome; Hereditary Cancer Syndrome. Identifiers: Orphanet 140162, MedGen C0027672, MeSH D009386, MONDO:0015356.
Cardiovascular phenotype. Identifiers: MedGen CN230736.
Noonan syndrome and Noonan-related syndrome. Identifiers: Orphanet 98733, MedGen C5681679, MONDO:0020297.
LZTR1-related disorder. Also called: LZTR1-related disorders; LZTR1-related condition.

Allele frequency attached by ClinVar (database versions not stated): gnomAD 0.00012 and 0.00020; gnomAD exomes 0.00017 and 0.00057; TOPMed 0.00026; ExAC 0.00065; 1000 Genomes Project 30x 0.00156; 1000 Genomes Project 0.00180.

Submissions (8):

CeGaT Center for Human Genetics Tuebingen
Classification: Likely benign. Last evaluated: 2026-06-01. Review status: criteria provided, single submitter. Criteria: CeGaT Center For Human Genetics Tuebingen Variant Classification Criteria Version 2. Collection method: clinical testing. Allele origin: germline. Affected: yes. Observed: 3 variant alleles.
Comment: LZTR1: BP4, BP7

Labcorp Genetics (formerly Invitae), Labcorp
Classification: Benign. Last evaluated: 2026-02-03. Review status: criteria provided, single submitter. Criteria: Invitae Variant Classification Sherloc (09022015). Collection method: clinical testing. Allele origin: germline.

ARUP Laboratories, Molecular Genetics and Genomics, ARUP Laboratories
Classification: Likely benign. Last evaluated: 2025-05-29. Review status: criteria provided, single submitter. Criteria: ARUP Molecular Germline Variant Investigation Process 2024. Collection method: clinical testing. Allele origin: germline.

Blueprint Genetics
Classification: Likely benign. Last evaluated: 2024-09-19. Review status: criteria provided, single submitter. Criteria: ACMG Guidelines, 2015. Collection method: clinical testing. Allele origin: germline.

Genome Diagnostics Laboratory, The Hospital for Sick Children
Classification: Benign for Noonan syndrome and Noonan-related syndrome. Last evaluated: 2021-02-08. Review status: criteria provided, single submitter. Criteria: ACMG Guidelines, 2015. Collection method: clinical testing. Allele origin: germline.

Ambry Genetics
Classification: Likely benign for Cardiovascular phenotype; Hereditary cancer-predisposing syndrome. Last evaluated: 2020-08-13. Review status: criteria provided, single submitter. Criteria: Ambry Variant Classification Scheme 2023. Collection method: clinical testing. Allele origin: germline.

Women's Health and Genetics/Laboratory Corporation of America, LabCorp
Classification: Benign. Last evaluated: 2019-08-09. Review status: criteria provided, single submitter. Criteria: LabCorp Variant Classification Summary - May 2015. Collection method: clinical testing. Allele origin: germline.

PreventionGenetics, part of Exact Sciences
Classification: Likely benign for LZTR1-related condition. Last evaluated: 2022-01-21. Review status: no assertion criteria provided. Collection method: clinical testing. Allele origin: germline. Not counted in ClinVar's aggregate classification.
Comment: This variant is classified as likely benign based on ACMG/AMP sequence variant interpretation guidelines (Richards et al. 2015 PMID: 25741868, with internal and published modifications).

NM_006767.4(LZTR1):c.351C>T (p.Pro117=)

Gene: LZTR1 (leucine zipper like post translational regulator 1; plus strand). Cytogenetic location: 22q11.21.
Variant type: single nucleotide variant.
Coding change: c.351C>T on transcript NM_006767.4 (MANE Select); coding-DNA position 351, C replaced by T.
Protein change: p.Pro117=; no amino-acid change (proline 117 retained).
Molecular consequence: synonymous variant.
Genome position (GRCh38, 1-based): chr22:20,987,534, C>T. VCF-style: chr22-20987534-C-T. GRCh37 (hg19) VCF-style: chr22-21341823-C-T.
Identifiers: ClinVar variation 929193 (VCV000929193.25), dbSNP rs202066345, ClinGen allele CA10118385.